The following is an entry in ClinVar:

ClinVar aggregate classification (germline): Benign/Likely benign. Review status: criteria provided, multiple submitters, no conflicts (2 of 4 stars). 5 submissions from 5 submitters: Benign (2); Likely benign (3). Last evaluated 2026-02-01.

Conditions:
Age related macular degeneration 1 (ARMD1). Also called: MACULOPATHY, AGE-RELATED, 1. Identifiers: MedGen C1864205, MONDO:0011285, OMIM 603075.

Allele frequency attached by ClinVar (database versions not stated): 1000 Genomes Project 0.00140; 1000 Genomes Project 30x 0.00187; ESP Exome Variant Server 0.00223; TOPMed 0.00249; gnomAD exomes 0.00283 and 0.00371; ExAC 0.00288; gnomAD 0.00347.
gnomAD v4.1: 5,831 of 1,610,864 alleles (0.36%); highest among the groups gnomAD compares: Non-Finnish European, 0.43%; 21 homozygotes.

Submissions (8):

Labcorp Genetics (formerly Invitae), Labcorp
Classification: Benign. Last evaluated: 2026-02-01. Review status: criteria provided, single submitter. Criteria: Invitae Variant Classification Sherloc (09022015). Collection method: clinical testing. Allele origin: germline.

Genome-Nilou Lab
Classification: Benign for Age related macular degeneration 1. Last evaluated: 2023-04-11. Review status: criteria provided, single submitter. Criteria: ACMG Guidelines, 2015. Collection method: clinical testing. Allele origin: germline. Affected: no.

CeGaT Center for Human Genetics Tuebingen
Classification: Likely benign. Last evaluated: 2023-02-01. Review status: criteria provided, single submitter. Criteria: CeGaT Center For Human Genetics Tuebingen Variant Classification Criteria Version 2. Collection method: clinical testing. Allele origin: germline. Affected: yes. Observed: 1 variant allele.
Comment: HMCN1: BP4, BP7, BS2

Illumina Laboratory Services, Illumina
Classification: Likely benign for Age related macular degeneration 1. Last evaluated: 2018-01-12. Review status: criteria provided, single submitter. Criteria: ICSL Variant Classification Criteria 13 December 2019. Collection method: clinical testing. Allele origin: germline.
Comment: This variant was observed in the ICSL laboratory as part of a predisposition screen in an ostensibly healthy population. It had not been previously curated by ICSL or reported in the Human Gene Mutation Database (HGMD: prior to June 1st, 2018), and was therefore a candidate for classification through an automated scoring system. Utilizing variant allele frequency, disease prevalence and penetrance estimates, and inheritance mode, an automated score was calculated to assess if this variant is too frequent to cause the disease. Based on the score and internal cut-off values, a variant classified as likely benign is not then subjected to further curation. The score for this variant resulted in a classification of likely benign for this disease.

Breakthrough Genomics
Classification: Likely benign. Review status: criteria provided, single submitter. Criteria: ACMG Guidelines, 2015. Collection method: not provided. Allele origin: germline. Inheritance: Autosomal dominant inheritance. Affected: yes.

Dr. Peter K. Rogan Lab, Western University
No classification provided (evidence only). Condition: Malignant lymphoma, large B-cell, diffuse. Review status: no classification provided. Collection method: in vitro. Allele origin: not applicable. Functional consequence: retained intron. Not counted in ClinVar's aggregate classification.

Dr. Peter K. Rogan Lab, Western University
No classification provided (evidence only). Condition: Thymoma. Review status: no classification provided. Collection method: in vitro. Allele origin: not applicable. Functional consequence: retained intron. Not counted in ClinVar's aggregate classification.

Dr. Peter K. Rogan Lab, Western University
No classification provided (evidence only). Condition: Nonpapillary renal cell carcinoma. Review status: no classification provided. Collection method: in vitro. Allele origin: not applicable. Functional consequence: retained intron. Not counted in ClinVar's aggregate classification.

NM_031935.3(HMCN1):c.7515G>T (p.Gly2505=)

Gene: HMCN1 (hemicentin 1; plus strand). Cytogenetic location: 1q31.1.
Variant type: single nucleotide variant.
Coding change: c.7515G>T on transcript NM_031935.3 (MANE Select); coding-DNA position 7515, G replaced by T.
Protein change: p.Gly2505=; no amino-acid change (glycine 2505 retained).
Molecular consequence: synonymous variant.
Genome position (GRCh38, 1-based): chr1:186,065,239, G>T. VCF-style: chr1-186065239-G-T. GRCh37 (hg19) VCF-style: chr1-186034371-G-T.
Identifiers: ClinVar variation 294188 (VCV000294188.39), dbSNP rs41317479, ClinGen allele CA1292882.
Genomic context (GRCh38, chr1:186,065,239, plus strand): 5'-AAGTTTATTCATTCTATACATGTAATTATTAGCTGACTCTCAGAAATGGATTTTTACAGG[G>T]AATCCAGTGCCAGAAATTACATGGCACAAAGATGGGCAGCCCCTCCAAGAAGATGAAGCC-3'
Protein context (NP_114141.2, residues 2495-2515): QSVTLTCEVT[Gly2505=]NPVPEITWHK